The following is an entry in ClinVar:

ClinVar aggregate classification (germline): VUS-high (1 of 4 stars; one submission).

Conditions:
Episodic ataxia type 2 (EA2). Also called: ACETAZOLAMIDE-RESPONSIVE HEREDITARY PAROXYSMAL CEREBELLAR ATAXIA; ATAXIA, EPISODIC, WITH NYSTAGMUS; ATAXIA, FAMILIAL PAROXYSMAL; CEREBELLAR ATAXIA, PAROXYSMAL, ACETAZOLAMIDE-RESPONSIVE; CEREBELLOPATHY, HEREDITARY PAROXYSMAL; EPISODIC ATAXIA, NYSTAGMUS-ASSOCIATED. Identifiers: Orphanet 97, MedGen C1720416, MONDO:0007163, OMIM 108500.

Submission:

Gemeinschaftspraxis fuer Humangenetik Dresden
Classification: VUS-high for Episodic ataxia type 2. Last evaluated: 2026-06-03. Review status: criteria provided, single submitter. Criteria: ACMG Guidelines, 2015. Collection method: clinical testing. Allele origin: de novo. Affected: yes. Observed: 1 variant allele, 1 heterozygote.
Comment: The variant c.1006A>T, p.(Asn336Tyr) has not yet been recorded in HGMD 2026.1, gnomAD (v4.1.1), dbSNP (v157) or LOVD (we submitted there). REVEL and other prediction tools such as MutationTaster, SIFT and PolyPhen-2 predict that the variant has a deleterious effect. In summary, the variant should currently be classified as a variant of uncertain significance.

NM_001127222.2(CACNA1A):c.1006A>T (p.Asn336Tyr)

Genes: CACNA1A (calcium voltage-gated channel subunit alpha1 A; minus strand), LOC126862866 (MED14-independent group 3 enhancer GRCh37_chr19:13445719-13446918; plus strand). Cytogenetic location: 19p13.13.
Variant type: single nucleotide variant.
Coding change: c.1006A>T on transcript NM_001127222.2 (MANE Select); coding-DNA position 1006, A replaced by T.
Protein change: p.Asn336Tyr; replaces asparagine 336 with tyrosine.
Molecular consequence: missense variant.
Genome position (GRCh38, 1-based): chr19:13,335,882, T>A on the plus strand (A>T on the coding strand, the complement: CACNA1A is on the minus strand). VCF-style: chr19-13335882-T-A. GRCh37 (hg19) VCF-style: chr19-13446696-T-A.
Other names: c.1006A>T, p.Asn336Tyr (NM_000068.4, NM_001127221.2, NM_001174080.2 and 1 more transcripts); short protein forms N336Y.
Identifiers: ClinVar variation 4857228 (VCV004857228.1).